The following is an entry in ClinVar:

ClinVar aggregate classification (germline): Pathogenic (0 of 4 stars; one submission).

Conditions:
alpha Thalassemia. Also called: Alpha thalassemia spectrum. Identifiers: Orphanet 846, MedGen C0002312, MONDO:0011399, OMIM 604131.

Submission:

Counsyl
Classification: Pathogenic for alpha Thalassemia. Last evaluated: 2015-05-08. Review status: no assertion criteria provided. Collection method: clinical testing. Allele origin: unknown.
Comment: #NAME? This submission and the accompanying classification are no longer maintained by the submitter.

Literature cited by the submitters: PubMed 24025420; PubMed 10602170; PubMed 11017952; PubMed 3191033.

NC_000016.10:g.(?_151209)_(182142_?)del

Genes: HBA-LCR (alpha-globin locus control region; plus strand), HBA1 (hemoglobin subunit alpha 1; plus strand), HBA2 (hemoglobin subunit alpha 2; plus strand), HBM (hemoglobin subunit mu; plus strand), HBQ1 (hemoglobin subunit theta 1; plus strand) and 5 more. Cytogenetic location: 16p13.3.
Variant type: Deletion.
Identifiers: ClinVar variation 487442 (VCV000487442.2).